The following is an entry in ClinVar:

NM_022173.4(TIA1):c.928G>A (p.Gly310Ser)

Gene: TIA1 (TIA1 cytotoxic granule associated RNA binding protein; minus strand). Cytogenetic location: 2p13.3.
Variant type: single nucleotide variant.
Coding change: c.928G>A on transcript NM_022173.4 (MANE Select); coding-DNA position 928, G replaced by A.
Protein change: p.Gly310Ser; replaces glycine 310 with serine.
Molecular consequence: missense variant. On other transcripts: non-coding transcript variant (17).
Genome position (GRCh38, 1-based): chr2:70,214,455, C>T on the plus strand (G>A on the coding strand, the complement: TIA1 is on the minus strand). VCF-style: chr2-70214455-C-T. GRCh37 (hg19) VCF-style: chr2-70441587-C-T.
Other names: c.925G>A, p.Gly309Ser (NM_001351508.2); c.901G>A, p.Gly301Ser (NM_001351509.2); c.892G>A, p.Gly298Ser (NM_001351510.2); c.817G>A, p.Gly273Ser (NM_001351511.1); c.790G>A, p.Gly264Ser (NM_001351512.1); c.784G>A, p.Gly262Ser (NM_001351513.1); c.700G>A, p.Gly234Ser (NM_001351514.2); c.625G>A, p.Gly209Ser (NM_001351515.2); and 3 more; short protein forms G299S, G301S, G170S, G234S, G273S, G209S, G262S, G309S.
Identifiers: ClinVar variation 1411686 (VCV001411686.6), dbSNP rs774668067, ClinGen allele CA1697440.

ClinVar aggregate classification (germline): Uncertain significance (1 of 4 stars; one submission).

Conditions:
Welander distal myopathy (WDM). Also called: Welander distal myopathy, Swedish type; Distal myopathy, Swedish type; MUSCULAR DYSTROPHY, DISTAL, LATE-ONSET, AUTOSOMAL DOMINANT; Gower's muscular dystrophy. Identifiers: Orphanet 603, MedGen C0221054, MONDO:0011466, OMIM 604454.

Allele frequency attached by ClinVar (database versions not stated): gnomAD exomes below 0.00001; ExAC 0.00001; gnomAD 0.00001; TOPMed 0.00001.

Submission:

Labcorp Genetics (formerly Invitae), Labcorp
Classification: Uncertain significance for Welander distal myopathy. Last evaluated: 2022-06-20. Review status: criteria provided, single submitter. Criteria: Invitae Variant Classification Sherloc (09022015). Collection method: clinical testing. Allele origin: germline.
Comment: In summary, the available evidence is currently insufficient to determine the role of this variant in disease. Therefore, it has been classified as a Variant of Uncertain Significance. Algorithms developed to predict the effect of missense changes on protein structure and function are either unavailable or do not agree on the potential impact of this missense change (SIFT: "Tolerated"; PolyPhen-2: "Probably Damaging"; Align-GVGD: "Class C0"). This sequence change replaces glycine, which is neutral and non-polar, with serine, which is neutral and polar, at codon 310 of the TIA1 protein (p.Gly310Ser). This variant is present in population databases (rs774668067, gnomAD 0.006%). This variant has not been reported in the literature in individuals affected with TIA1-related conditions.